The following is an entry in ClinVar:

ClinVar aggregate classification (germline): Pathogenic (1 of 4 stars; one submission).

Submission:

GeneDx
Classification: Pathogenic. Last evaluated: 2013-01-11. Review status: criteria provided, single submitter. Criteria: GeneDx Variant Classification (06012015). Collection method: clinical testing. Allele origin: germline. Affected: yes.
Comment: The c.282+4delA mutation results in the deletion of a single "A" nucleotide at the exon 5/intron 5 splice junction. This mutation is predicted to destroy the natural splice donor site in intron 5 and is expected to cause abnormal gene splicing, either leading to an abnormal message that is subject to nonsense-mediated mRNA decay or to an abnormal protein product if the message is used for protein translation. The variant is found in EPILEPSY panel(s).

NM_001323289.2(CDKL5):c.282+4del

Gene: CDKL5 (cyclin dependent kinase like 5; plus strand). Cytogenetic location: Xp22.13.
Variant type: Deletion.
Coding change: c.282+4del on transcript NM_001323289.2 (MANE Select); 4 bases into the intron after coding-DNA position 282, one base deleted (A; older notation c.282+4delA).
Molecular consequence: intron variant.
Genome position (GRCh38, 1-based): chrX:18,575,494, A deleted; the last of 2 consecutive A bases (chrX:18,575,493-18,575,494); deleting either gives the same sequence. VCF-style (leftmost placement, unchanged base first): chrX-18575492-TA-T. GRCh37 (hg19) VCF-style: chrX-18593612-TA-T.
Other names: c.282+4del (NM_003159.3, NM_001037343.2); c.282+4delA (NM_003159.2).
Identifiers: ClinVar variation 156638 (VCV000156638.1), dbSNP rs587783110, ClinGen allele CA294677.